The following is an entry in ClinVar:

ClinVar aggregate classification (germline): Benign (1 of 4 stars; one submission).

Allele frequency attached by ClinVar (database versions not stated): 1000 Genomes Project 30x 0.60572; 1000 Genomes Project 0.61262; TOPMed 0.63994; gnomAD 0.66008 and 0.66088.
gnomAD v4.1: 100,382 of 151,918 alleles (66%); highest among the groups gnomAD compares: Non-Finnish European, 74%; 34,065 homozygotes.

Submission:

GeneDx
Classification: Benign. Last evaluated: 2018-06-19. Review status: criteria provided, single submitter. Criteria: GeneDx Variant Classification (06012015). Collection method: clinical testing. Allele origin: germline. Affected: yes.
Comment: This variant is considered likely benign or benign based on one or more of the following criteria: it is a conservative change, it occurs at a poorly conserved position in the protein, it is predicted to be benign by multiple in silico algorithms, and/or has population frequency not consistent with disease.

NM_000521.4(HEXB):c.299+278G>A

Gene: HEXB (hexosaminidase subunit beta; plus strand). Cytogenetic location: 5q13.3.
Variant type: single nucleotide variant.
Coding change: c.299+278G>A on transcript NM_000521.4 (MANE Select); 278 bases into the intron after coding-DNA position 299, G replaced by A.
Molecular consequence: intron variant.
Genome position (GRCh38, 1-based): chr5:74,685,837, G>A. VCF-style: chr5-74685837-G-A. GRCh37 (hg19) VCF-style: chr5-73981662-G-A.
Other names: c.-376-3491G>A (NM_001292004.2).
Identifiers: ClinVar variation 680598 (VCV000680598.1), dbSNP rs820879, ClinGen allele CA12054923.